The following is an entry in ClinVar:

NM_031443.4(CCM2):c.30+1G>A

Genes: CCM2 (CCM2 scaffold protein; plus strand), LOC129998395 (ATAC-STARR-seq lymphoblastoid silent region 18162; plus strand). Cytogenetic location: 7p13.
Variant type: single nucleotide variant.
Coding change: c.30+1G>A on transcript NM_031443.4 (MANE Select); the canonical splice donor site of the intron after coding-DNA position 30, G replaced by A.
Molecular consequence: splice donor variant.
Genome position (GRCh38, 1-based): chr7:45,000,364, G>A. VCF-style: chr7-45000364-G-A. GRCh37 (hg19) VCF-style: chr7-45039963-G-A.
Other names: c.30+1G>A (NM_001363458.2, NM_001167935.2, NM_001363459.2 and 1 more transcripts).
Identifiers: ClinVar variation 590655 (VCV000590655.23), dbSNP rs1562848479, ClinGen allele CA367423703.

ClinVar aggregate classification (germline): Pathogenic. Review status: criteria provided, multiple submitters, no conflicts (2 of 4 stars). 6 submissions from 6 submitters: Pathogenic (6). Last evaluated 2026-07-31.

Conditions:
Cerebral cavernous malformation 2. Also called: Familial Cerebral Cavernous Malformation 2. Identifiers: Orphanet 221061, MedGen C1864041, MONDO:0011304, OMIM 603284.

Submissions (6):

GeneDx
Classification: Pathogenic. Last evaluated: 2026-07-31. Review status: criteria provided, single submitter. Criteria: GeneDx Variant Classification Process June 2021. Collection method: clinical testing. Allele origin: germline.
Comment: Canonical splice site variant predicted to result in a null allele in a gene for which loss of function is a known mechanism of disease; Not observed at significant frequency in large population cohorts (gnomAD); This variant is associated with the following publications: (PMID: 19088124, 15122722, 14624391, 17160895, 34426522, 18300272)

Labcorp Genetics (formerly Invitae), Labcorp
Classification: Pathogenic for Cerebral cavernous malformation 2. Last evaluated: 2026-01-20. Review status: criteria provided, single submitter. Criteria: Invitae Variant Classification Sherloc (09022015). Collection method: clinical testing. Allele origin: germline.
Comment: This sequence change affects a donor splice site in intron 1 of the CCM2 gene. It is expected to disrupt RNA splicing. Variants that disrupt the donor or acceptor splice site typically lead to a loss of protein function (PMID: 16199547), and loss-of-function variants in CCM2 are known to be pathogenic (PMID: 18300272, 24689081). This variant is not present in population databases (gnomAD no frequency). Disruption of this splice site has been observed in individual(s) with cerebral cavernous malformations (PMID: 15122722, 19088124). This variant is also known as IVS+1G>A. ClinVar contains an entry for this variant (Variation ID: 590655). Algorithms developed to predict the effect of variants on gene product structure and function are not available or were not evaluated for this variant. Experimental studies have shown that disruption of this splice site affects CCM2 function (PMID: 19088124). Algorithms developed to predict the effect of sequence changes on RNA splicing suggest that this variant may disrupt the consensus splice site. For these reasons, this variant has been classified as Pathogenic.

ARUP Laboratories, Molecular Genetics and Genomics, ARUP Laboratories
Classification: Pathogenic for Cerebral cavernous malformation 2. Last evaluated: 2024-08-21. Review status: criteria provided, single submitter. Criteria: ARUP Molecular Germline Variant Investigation Process 2024. Collection method: clinical testing. Allele origin: germline.
Comment: The CCM2 c.30+1G>A variant (rs1562848479, ClinVar Variation ID: 590655) is reported in the literature in individuals affected with cerebral cavernous malformations (Stahl 2008, Verlaan 2004). This variant is absent from the Genome Aggregation Database (v2.1.1), indicating it is not a common polymorphism. This variant disrupts the canonical splice donor site of intron 1, which is likely to negatively impact gene function. In vitro functional analysis by immunohistochemistry shows localized loss of CCM2 expression in the cavernous endothelial cells (Pagenstecher 2009). Based on available information, this variant is considered to be pathogenic. References: Pagenstecher A et al. A two-hit mechanism causes cerebral cavernous malformations: complete inactivation of CCM1, CCM2 or CCM3 in affected endothelial cells. Hum Mol Genet. 2009 Mar 1;18(5):911-8. PMID: 19088124. Stahl S et al. Novel CCM1, CCM2, and CCM3 mutations in patients with cerebral cavernous malformations: in-frame deletion in CCM2 prevents formation of a CCM1/CCM2/CCM3 protein complex. Hum Mutat. 2008 May;29(5):709-17. PMID: 18300272. Verlaan DJ et al. CCM2 mutations account for 13% of cases in a large collection of kindreds with hereditary cavernous malformations. Ann Neurol. 2004 May;55(5):757-8. PMID: 15122722.

Athena Diagnostics
Classification: Pathogenic. Last evaluated: 2021-03-19. Review status: criteria provided, single submitter. Criteria: Athena Diagnostics criteria. Collection method: clinical testing. Allele origin: unknown.
Comment: This variant is expected to severely impact normal RNA splicing, and consequently, protein structure and/or function. This variant has not been reported in large, multi-ethnic general populations. This variant has been identified in at least one individual with clinical features associated with this gene.

PreventionGenetics, part of Exact Sciences
Classification: Pathogenic. Last evaluated: 2020-02-15. Review status: criteria provided, single submitter. Criteria: ACMG Guidelines, 2015. Collection method: clinical testing. Allele origin: germline.

Clinical Genetics Service, Universitary Hospital 12 de Octubre
Classification: Pathogenic for Cerebral cavernous malformation 2. Review status: criteria provided, single submitter. Criteria: ACMG Guidelines, 2015. Collection method: clinical testing. Allele origin: germline. Affected: yes.

Literature cited by the submitters: PubMed 16199547 (cited by Labcorp Genetics (formerly Invitae), Labcorp); PubMed 18300272 (cited by Labcorp Genetics (formerly Invitae), Labcorp and Athena Diagnostics); PubMed 24689081 (cited by Labcorp Genetics (formerly Invitae), Labcorp); PubMed 15122722 (cited by Labcorp Genetics (formerly Invitae), Labcorp and Athena Diagnostics); PubMed 19088124 (cited by Labcorp Genetics (formerly Invitae), Labcorp and Athena Diagnostics); PubMed 2468908 (cited by Athena Diagnostics).